The following is an entry in ClinVar:

ClinVar aggregate classification (germline): Uncertain significance (1 of 4 stars; one submission).

Conditions:
Ehlers-Danlos syndrome, kyphoscoliotic type 1 (EDSKSCL1). Also called: PLOD1-Related Kyphoscoliotic Ehlers-Danlos Syndrome; EHLERS-DANLOS SYNDROME, OCULAR-SCOLIOTIC TYPE; Ehlers-Danlos syndrome, hydroxylysine-deficient; EHLERS-DANLOS SYNDROME, TYPE VIA. Identifiers: Orphanet 1900, MedGen C0268342, MONDO:0016002, OMIM 225400. Disease mechanism: loss of function.

Allele frequency attached by ClinVar (database versions not stated): gnomAD 0.00001; gnomAD exomes 0.00001; TOPMed 0.00001; 1000 Genomes Project 30x 0.00016; 1000 Genomes Project 0.00020.
gnomAD v4.1: 10 of 1,613,916 alleles (0.00062%); highest among the groups gnomAD compares: South Asian, 0.0033%; no homozygotes.

Submission:

Labcorp Genetics (formerly Invitae), Labcorp
Classification: Uncertain significance for Ehlers-Danlos syndrome, kyphoscoliotic type 1. Last evaluated: 2022-02-12. Review status: criteria provided, single submitter. Criteria: Invitae Variant Classification Sherloc (09022015). Collection method: clinical testing. Allele origin: germline.
Comment: This sequence change replaces glutamic acid, which is acidic and polar, with lysine, which is basic and polar, at codon 39 of the PLOD1 protein (p.Glu39Lys). This variant is present in population databases (rs538407894, gnomAD 0.002%). This variant has not been reported in the literature in individuals affected with PLOD1-related conditions. ClinVar contains an entry for this variant (Variation ID: 659426). Algorithms developed to predict the effect of missense changes on protein structure and function are either unavailable or do not agree on the potential impact of this missense change (SIFT: "Deleterious"; PolyPhen-2: "Benign"; Align-GVGD: "Class C15"). In summary, the available evidence is currently insufficient to determine the role of this variant in disease. Therefore, it has been classified as a Variant of Uncertain Significance.

NM_000302.4(PLOD1):c.115G>A (p.Glu39Lys)

Gene: PLOD1 (procollagen-lysine,2-oxoglutarate 5-dioxygenase 1; plus strand). Cytogenetic location: 1p36.22.
Variant type: single nucleotide variant.
Coding change: c.115G>A on transcript NM_000302.4 (MANE Select); coding-DNA position 115, G replaced by A.
Protein change: p.Glu39Lys; replaces glutamic acid 39 with lysine.
Molecular consequence: missense variant.
Genome position (GRCh38, 1-based): chr1:11,948,014, G>A. VCF-style: chr1-11948014-G-A. GRCh37 (hg19) VCF-style: chr1-12008071-G-A.
Other names: c.256G>A, p.Glu86Lys (NM_001316320.2); short protein forms E86K, E39K.
Identifiers: ClinVar variation 659426 (VCV000659426.8), dbSNP rs538407894, ClinGen allele CA17997331.